The following is an entry in ClinVar:

NM_001005361.3(DNM2):c.1985C>T (p.Ser662Leu)

Gene: DNM2 (dynamin 2; plus strand). Cytogenetic location: 19p13.2.
Variant type: single nucleotide variant.
Coding change: c.1985C>T on transcript NM_001005361.3 (MANE Select); coding-DNA position 1985, C replaced by T.
Protein change: p.Ser662Leu; replaces serine 662 with leucine.
Molecular consequence: missense variant.
Genome position (GRCh38, 1-based): chr19:10,825,148, C>T. VCF-style: chr19-10825148-C-T. GRCh37 (hg19) VCF-style: chr19-10935824-C-T.
Other names: c.1985C>T, p.Ser662Leu (NM_001005360.3, NM_001190716.2); c.1973C>T, p.Ser658Leu (NM_001005362.3, NM_004945.4); short protein forms S658L, S662L.
Identifiers: ClinVar variation 2322937 (VCV002322937.4), dbSNP rs2513354959, ClinGen allele CA404041537.
Genomic context (GRCh38, chr19:10,825,148, plus strand): 5'-CCTTCTCCATGGACCCCCAACTGGAGCGGCAGGTGGAGACCATTCGCAACCTGGTGGACT[C>T]ATACGTGGCCATCATCAACAAGTCCATCCGCGACCTCATGCCAAAGACCATCATGCACCT-3'
Protein context (NP_001005361.1, residues 652-672): QVETIRNLVD[Ser662Leu]YVAIINKSIR

ClinVar aggregate classification (germline): Uncertain significance. Review status: criteria provided, single submitter (1 of 4 stars). 2 submissions from 2 submitters: Uncertain significance (1). 1 of the submissions does not count toward it. Last evaluated 2022-11-07.

Conditions:
DNM2-related disorder. Also called: DNM2-related condition.
Inborn genetic diseases. Identifiers: MedGen C0950123, MeSH D030342.

Allele frequency attached by ClinVar (database versions not stated): gnomAD exomes below 0.00001.
gnomAD v4.1: 1 of 1,614,230 alleles (0.000062%); highest among the groups gnomAD compares: Non-Finnish European, 0.000085%; no homozygotes.

Submissions (2):

Ambry Genetics
Classification: Uncertain significance for Inborn genetic diseases. Last evaluated: 2022-11-07. Review status: criteria provided, single submitter. Criteria: Ambry Variant Classification Scheme 2023. Collection method: clinical testing. Allele origin: germline.

PreventionGenetics, part of Exact Sciences
Classification: Uncertain significance for DNM2-related condition. Last evaluated: 2023-12-21. Review status: no assertion criteria provided. Collection method: clinical testing. Allele origin: germline. Not counted in ClinVar's aggregate classification.
Comment: The DNM2 c.1985C>T variant is predicted to result in the amino acid substitution p.Ser662Leu. To our knowledge, this variant has not been reported in the literature or in a large population database, indicating this variant is rare. While we suspect this variant could be pathogenic, at this time the clinical significance of this variant is uncertain due to the absence of conclusive functional and genetic evidence.